The following is an entry in ClinVar:

ClinVar aggregate classification (germline): Uncertain significance. Review status: criteria provided, multiple submitters, no conflicts (2 of 4 stars). 2 submissions from 2 submitters: Uncertain significance (2). Last evaluated 2025-12-15.

Conditions:
Inborn genetic diseases. Identifiers: MedGen C0950123, MeSH D030342.

Allele frequency attached by ClinVar (database versions not stated): gnomAD exomes 0.00001 and 0.00002; gnomAD 0.00002 and 0.00004; ExAC 0.00003; TOPMed 0.00005.
gnomAD v4.1: 20 of 1,609,584 alleles (0.0012%); highest among the groups gnomAD compares: Middle Eastern, 0.016%; no homozygotes.

Submissions (2):

Ambry Genetics
Classification: Uncertain significance for Inborn genetic diseases. Last evaluated: 2025-12-15. Review status: criteria provided, single submitter. Criteria: Ambry Variant Classification Scheme 2023. Collection method: clinical testing. Allele origin: germline.

Labcorp Genetics (formerly Invitae), Labcorp
Classification: Uncertain significance. Last evaluated: 2023-12-18. Review status: criteria provided, single submitter. Criteria: Invitae Variant Classification Sherloc (09022015). Collection method: clinical testing. Allele origin: germline.
Comment: This sequence change replaces arginine, which is basic and polar, with glutamine, which is neutral and polar, at codon 92 of the STX3 protein (p.Arg92Gln). This variant is present in population databases (rs766704801, gnomAD 0.02%). This variant has not been reported in the literature in individuals affected with STX3-related conditions. ClinVar contains an entry for this variant (Variation ID: 1409730). An algorithm developed to predict the effect of missense changes on protein structure and function (PolyPhen-2) suggests that this variant is likely to be disruptive. In summary, the available evidence is currently insufficient to determine the role of this variant in disease. Therefore, it has been classified as a Variant of Uncertain Significance.

NM_004177.5(STX3):c.275G>A (p.Arg92Gln)

Gene: STX3 (syntaxin 3; plus strand). Cytogenetic location: 11q12.1.
Variant type: single nucleotide variant.
Coding change: c.275G>A on transcript NM_004177.5 (MANE Select); coding-DNA position 275, G replaced by A.
Protein change: p.Arg92Gln; replaces arginine 92 with glutamine.
Molecular consequence: missense variant.
Genome position (GRCh38, 1-based): chr11:59,788,933, G>A. VCF-style: chr11-59788933-G-A. GRCh37 (hg19) VCF-style: chr11-59556406-G-A.
Other names: c.275G>A, p.Arg92Gln (NM_001178040.3); c.275G>A (NM_004177.4); short protein forms R92Q.
Identifiers: ClinVar variation 1409730 (VCV001409730.7), dbSNP rs766704801, ClinGen allele CA6020797.